The following is an entry in ClinVar:

ClinVar aggregate classification (germline): Likely benign (1 of 4 stars; one submission).

Allele frequency attached by ClinVar (database versions not stated): ExAC 0.00001; gnomAD exomes 0.00002; gnomAD 0.00003.
gnomAD v4.1: 31 of 1,611,956 alleles (0.0019%); highest among the groups gnomAD compares: African/African-American, 0.0027%; no homozygotes.

Submission:

CeGaT Center for Human Genetics Tuebingen
Classification: Likely benign. Last evaluated: 2024-01-01. Review status: criteria provided, single submitter. Criteria: CeGaT Center For Human Genetics Tuebingen Variant Classification Criteria Version 2. Collection method: clinical testing. Allele origin: germline. Affected: yes. Observed: 1 variant allele.
Comment: ANKLE2: BP4, BP7

NM_015114.3(ANKLE2):c.1296G>A (p.Ser432=)

Gene: ANKLE2 (ankyrin repeat and LEM domain containing 2; minus strand). Cytogenetic location: 12q24.33.
Variant type: single nucleotide variant.
Coding change: c.1296G>A on transcript NM_015114.3 (MANE Select); coding-DNA position 1296, G replaced by A.
Protein change: p.Ser432=; no amino-acid change (serine 432 retained).
Molecular consequence: synonymous variant.
Genome position (GRCh38, 1-based): chr12:132,743,211, C>T on the plus strand (G>A on the coding strand, the complement: ANKLE2 is on the minus strand). VCF-style: chr12-132743211-C-T. GRCh37 (hg19) VCF-style: chr12-133319797-C-T.
Identifiers: ClinVar variation 3025233 (VCV003025233.22), dbSNP rs200282541, ClinGen allele CA6895687.
Genomic context (GRCh38, chr12:132,743,211, plus strand): 5'-TACATCTTCAGGTGTTTTATCATATTTATTCCTTGAGTTTTTTACAATCAAATGGTGTGA[C>T]GAAAGCACGTTGACTACATCTGCATTTCCAAACTTACAAGCAAAATGCAACGGTGTGTCA-3'
Protein context (NP_055929.1, residues 422-442): FGNADVVNVL[Ser432=]SHHLIVKNSR